The following is an entry in ClinVar:

ClinVar aggregate classification (germline): Uncertain significance. Review status: criteria provided, multiple submitters, no conflicts (2 of 4 stars). 2 submissions from 2 submitters: Uncertain significance (2). Last evaluated 2024-08-27.

Conditions:
Hereditary cancer-predisposing syndrome. Also called: Hereditary neoplastic syndrome; Neoplastic Syndromes, Hereditary; Tumor predisposition; Hereditary Cancer Syndrome. Identifiers: Orphanet 140162, MedGen C0027672, MeSH D009386, MONDO:0015356.

Submissions (2):

Ambry Genetics
Classification: Uncertain significance for Hereditary cancer-predisposing syndrome. Last evaluated: 2024-08-27. Review status: criteria provided, single submitter. Criteria: Ambry Variant Classification Scheme 2023. Collection method: clinical testing. Allele origin: germline.
Comment: The p.T114A variant (also known as c.340A>G), located in coding exon 3 of the SMARCB1 gene, results from an A to G substitution at nucleotide position 340. The threonine at codon 114 is replaced by alanine, an amino acid with similar properties. This amino acid position is conserved. In addition, this alteration is predicted to be deleterious by in silico analysis. Based on the available evidence, the clinical significance of this variant remains unclear.

Labcorp Genetics (formerly Invitae), Labcorp
Classification: Uncertain significance. Last evaluated: 2020-04-01. Review status: criteria provided, single submitter. Criteria: Invitae Variant Classification Sherloc (09022015). Collection method: clinical testing. Allele origin: germline.
Comment: This variant is not present in population databases (ExAC no frequency). This sequence change replaces threonine with alanine at codon 114 of the SMARCB1 protein (p.Thr114Ala). The threonine residue is highly conserved and there is a small physicochemical difference between threonine and alanine. This variant has not been reported in the literature in individuals with SMARCB1-related conditions. Algorithms developed to predict the effect of missense changes on protein structure and function (SIFT, PolyPhen-2, Align-GVGD) all suggest that this variant is likely to be tolerated, but these predictions have not been confirmed by published functional studies and their clinical significance is uncertain. In summary, the available evidence is currently insufficient to determine the role of this variant in disease. Therefore, it has been classified as a Variant of Uncertain Significance.

NM_003073.5(SMARCB1):c.340A>G (p.Thr114Ala)

Gene: SMARCB1 (SWI/SNF related BAF chromatin remodeling complex subunit B1; plus strand). Cytogenetic location: 22q11.23.
Variant type: single nucleotide variant.
Coding change: c.340A>G on transcript NM_003073.5 (MANE Select); coding-DNA position 340, A replaced by G.
Protein change: p.Thr114Ala; replaces threonine 114 with alanine.
Molecular consequence: missense variant.
Genome position (GRCh38, 1-based): chr22:23,793,666, A>G. VCF-style: chr22-23793666-A-G. GRCh37 (hg19) VCF-style: chr22-24135853-A-G.
Other names: c.340A>G (NM_003073.3); c.313A>G, p.Thr105Ala (NM_001007468.3, NM_001317946.2); c.340A>G, p.Thr114Ala (NM_001362877.2); short protein forms T105A, T114A.
Identifiers: ClinVar variation 1003802 (VCV001003802.10), dbSNP rs750822703, ClinGen allele CA410934033.